The following is an entry in ClinVar:

ClinVar aggregate classification (germline): Uncertain significance (0 of 4 stars; one submission).

Conditions:
SIM1-related disorder. Also called: SIM1-related condition; SIM1-related disorders.

gnomAD v4.1: 1 of 1,614,234 alleles (0.000062%); highest among the groups gnomAD compares: South Asian, 0.0011%; no homozygotes.

Submission:

PreventionGenetics, part of Exact Sciences
Classification: Uncertain significance for SIM1-related condition. Last evaluated: 2024-06-13. Review status: no assertion criteria provided. Collection method: clinical testing. Allele origin: germline.
Comment: The SIM1 c.975C>A variant is not predicted to result in an amino acid change (p.=). This variant is predicted to decrease the strength of the native splice donor and may affect splicing (SpliceAI, Jaganathan K, et al. 2019. PubMed ID: 30661751). To our knowledge, this variant has not been reported in the literature. This variant is reported in 0.0033% of alleles in individuals of South Asian descent in gnomAD. At this time, the clinical significance of this variant is uncertain due to the absence of conclusive functional and genetic evidence.

NM_005068.3(SIM1):c.975C>A (p.Ile325=)

Gene: SIM1 (SIM bHLH transcription factor 1; minus strand). Cytogenetic location: 6q16.3.
Variant type: single nucleotide variant.
Coding change: c.975C>A on transcript NM_005068.3 (MANE Select); coding-DNA position 975, C replaced by A.
Protein change: p.Ile325=; no amino-acid change (isoleucine 325 retained).
Molecular consequence: synonymous variant.
Genome position (GRCh38, 1-based): chr6:100,447,291, G>T on the plus strand (C>A on the coding strand, the complement: SIM1 is on the minus strand). VCF-style: chr6-100447291-G-T. GRCh37 (hg19) VCF-style: chr6-100895167-G-T.
Other names: c.975C>A, p.Ile325= (NM_001374769.1).
Identifiers: ClinVar variation 3347283 (VCV003347283.1).